The following is an entry in ClinVar:

ClinVar aggregate classification (germline): Uncertain significance (1 of 4 stars; one submission).

Conditions:
Inborn genetic diseases. Identifiers: MedGen C0950123, MeSH D030342.

gnomAD v4.1: 1 of 1,610,946 alleles (0.000062%); highest among the groups gnomAD compares: Non-Finnish European, 0.000085%; no homozygotes.

Submission:

Ambry Genetics
Classification: Uncertain significance for Inborn genetic diseases. Last evaluated: 2025-01-23. Review status: criteria provided, single submitter. Criteria: Ambry Variant Classification Scheme 2023. Collection method: clinical testing. Allele origin: germline.
Comment: The p.F543S variant (also known as c.1628T>C), located in coding exon 1 of the SAMD9L gene, results from a T to C substitution at nucleotide position 1628. The phenylalanine at codon 543 is replaced by serine, an amino acid with highly dissimilar properties. This amino acid position is conserved. In addition, the in silico prediction for this alteration is inconclusive. Based on the available evidence, the clinical significance of this variant remains unclear.

NM_152703.5(SAMD9L):c.1628T>C (p.Phe543Ser)

Gene: SAMD9L (sterile alpha motif domain containing 9 like; minus strand). Cytogenetic location: 7q21.2.
Variant type: single nucleotide variant.
Coding change: c.1628T>C on transcript NM_152703.5 (MANE Select); coding-DNA position 1628, T replaced by C.
Protein change: p.Phe543Ser; replaces phenylalanine 543 with serine.
Molecular consequence: missense variant.
Genome position (GRCh38, 1-based): chr7:93,134,344, A>G on the plus strand (T>C on the coding strand, the complement: SAMD9L is on the minus strand). VCF-style: chr7-93134344-A-G. GRCh37 (hg19) VCF-style: chr7-92763657-A-G.
Other names: c.1628T>C, p.Phe543Ser (NM_001303496.3, NM_001303497.3, NM_001303498.3 and 5 more transcripts); short protein forms F543S.
Identifiers: ClinVar variation 3792341 (VCV003792341.1).